The following is an entry in ClinVar:

NM_000219.6(KCNE1):c.91G>T (p.Ala31Ser)

Gene: KCNE1 (potassium voltage-gated channel subfamily E regulatory subunit 1; minus strand). Cytogenetic location: 21q22.12.
Variant type: single nucleotide variant.
Coding change: c.91G>T on transcript NM_000219.6 (MANE Select); coding-DNA position 91, G replaced by T.
Protein change: p.Ala31Ser; replaces alanine 31 with serine.
Molecular consequence: missense variant.
Genome position (GRCh38, 1-based): chr21:34,449,544, C>A on the plus strand (G>T on the coding strand, the complement: KCNE1 is on the minus strand). VCF-style: chr21-34449544-C-A. GRCh37 (hg19) VCF-style: chr21-35821842-C-A.
Other names: c.91G>T, p.Ala31Ser (NM_001127668.4, NM_001127669.4, NM_001127670.4 and 4 more transcripts); short protein forms A31S.
Identifiers: ClinVar variation 3374024 (VCV003374024.2).

Conditions:
Long QT syndrome 5 (LQT5). Identifiers: Orphanet 101016, Orphanet 768, MedGen C1867904, MONDO:0013372, OMIM 613695.

Submission:

Roden Lab, Vanderbilt University Medical Center
No classification provided (evidence only). Condition: Long QT syndrome 5. Review status: no classification provided. Collection method: in vitro. Allele origin: not applicable. Functional consequence: Effect on ion channel function.
ClinVar note: "not provided" was previously submitted as the classification for the variant. However, the classification appeared to be based only on an observation of functional data so it was converted to no classification on 2025-07-30.